The following is an entry in ClinVar:

NM_032603.5(LOXL3):c.1552T>A (p.Phe518Ile)

Gene: LOXL3 (lysyl oxidase like 3; minus strand). Cytogenetic location: 2p13.1.
Variant type: single nucleotide variant.
Coding change: c.1552T>A on transcript NM_032603.5 (MANE Select); coding-DNA position 1552, T replaced by A.
Protein change: p.Phe518Ile; replaces phenylalanine 518 with isoleucine.
Molecular consequence: missense variant.
Genome position (GRCh38, 1-based): chr2:74,535,319, A>T on the plus strand (T>A on the coding strand, the complement: LOXL3 is on the minus strand). VCF-style: chr2-74535319-A-T. GRCh37 (hg19) VCF-style: chr2-74762446-A-T.
Other names: c.1117T>A, p.Phe373Ile (NM_001289164.3); c.469T>A, p.Phe157Ile (NM_001289165.2); c.1552T>A (NM_032603.2); short protein forms F157I, F373I, F518I.
Identifiers: ClinVar variation 1919235 (VCV001919235.3), dbSNP rs1675949514, ClinGen allele CA347386987.

ClinVar aggregate classification (germline): Uncertain significance. Review status: criteria provided, multiple submitters, no conflicts (2 of 4 stars). 2 submissions from 2 submitters: Uncertain significance (2). Last evaluated 2025-10-02.

Allele frequency attached by ClinVar (database versions not stated): TOPMed 0.00002; gnomAD 0.00001.
gnomAD v4.1: 5 of 1,613,858 alleles (0.00031%); highest among the groups gnomAD compares: African/African-American, 0.0027%; no homozygotes.

Submissions (2):

Ambry Genetics
Classification: Uncertain significance. Last evaluated: 2025-10-02. Review status: criteria provided, single submitter. Criteria: Ambry Variant Classification Scheme 2023. Collection method: clinical testing. Allele origin: germline.

Labcorp Genetics (formerly Invitae), Labcorp
Classification: Uncertain significance. Last evaluated: 2022-10-05. Review status: criteria provided, single submitter. Criteria: Invitae Variant Classification Sherloc (09022015). Collection method: clinical testing. Allele origin: germline.
Comment: This sequence change replaces phenylalanine, which is neutral and non-polar, with isoleucine, which is neutral and non-polar, at codon 518 of the LOXL3 protein (p.Phe518Ile). This variant is not present in population databases (gnomAD no frequency). This variant has not been reported in the literature in individuals affected with LOXL3-related conditions. Algorithms developed to predict the effect of missense changes on protein structure and function are either unavailable or do not agree on the potential impact of this missense change (SIFT: "Deleterious"; PolyPhen-2: "Benign"; Align-GVGD: "Class C0"). In summary, the available evidence is currently insufficient to determine the role of this variant in disease. Therefore, it has been classified as a Variant of Uncertain Significance.